The following is an entry in ClinVar:

NM_000179.3(MSH6):c.*62A>T

Genes: FBXO11 (F-box protein 11; minus strand), MSH6 (mutS homolog 6; plus strand). Cytogenetic location: 2p16.3.
Variant type: single nucleotide variant.
Coding change: c.*62A>T on transcript NM_000179.3 (MANE Select); 62 bases downstream of the stop codon, A replaced by T.
Molecular consequence: 3 prime UTR variant. On other transcripts: non-coding transcript variant (4), intron variant (6).
Genome position (GRCh38, 1-based): chr2:47,806,922, A>T. VCF-style: chr2-47806922-A-T. GRCh37 (hg19) VCF-style: chr2-48034061-A-T.
Other names: c.*62A>T (NM_001281492.2, NM_001281493.2, NM_001281494.2 and 27 more transcripts); c.*166A>T (NM_001406800.1); c.*126A>T (NM_001406801.1, NM_001406802.1, NM_001406808.1 and 1 more transcripts); c.*1196T>A (NM_001190274.2, NM_001374325.1, NM_025133.4); c.*43+19A>T (NM_001406809.1); c.*40+22A>T (NM_001406796.1, NM_001406811.1, NM_001406805.1 and 2 more transcripts).
Identifiers: ClinVar variation 4990334 (VCV004990334.1).
Genomic context (GRCh38, chr2:47,806,922, plus strand): 5'-CTGACTACATTGGAAGCTTTGAGTTGACTTCTGACAAAGGTGGTAAATTCAGACAACATT[A>T]TGATCTAATAAACTTTATTTTTTAAAAATGACCATTTTTCCATTTTCTTTCTAGGAAATT-3'

ClinVar aggregate classification (germline): Likely benign (1 of 4 stars; one submission).

Conditions:
MSH6-related disorder. Also called: MSH6-related condition; MSH6-Related disorders.

gnomAD v4.1: 6 of 1,204,932 alleles (0.0005%); highest among the groups gnomAD compares: Admixed American, 0.011%; no homozygotes.

Submission:

PreventionGenetics, part of Exact Sciences
Classification: Likely benign for MSH6-related condition. Last evaluated: 2025-09-15. Review status: criteria provided, single submitter. Criteria: ACMG Guidelines, 2015. Collection method: clinical testing. Allele origin: germline.
Comment: This variant is classified as likely benign based on ACMG/AMP sequence variant interpretation guidelines (Richards et al. 2015 PMID: 25741868, with internal and published modifications).